The following is an entry in ClinVar:

ClinVar aggregate classification (germline): Pathogenic. Review status: criteria provided, multiple submitters, no conflicts (2 of 4 stars). 14 submissions from 14 submitters: Pathogenic (12). 2 of the submissions do not count toward it. Last evaluated 2026-03-29.

Conditions:
CYP27A1-related disorder. Also called: CYP27A1-related condition.
Cardiovascular phenotype. Identifiers: MedGen CN230736.
Cholestanol storage disease (CTX). Also called: Cerebrotendinous Xanthomatosis; CEREBRAL CHOLESTERINOSIS; CTX: Cerebrotendinous xanthomatosis. Identifiers: Orphanet 909, MedGen C0238052, MONDO:0008948, OMIM 213700.

Allele frequency attached by ClinVar (database versions not stated): gnomAD 0.00010; TOPMed 0.00011; ESP Exome Variant Server 0.00015; 1000 Genomes Project 0.00040; 1000 Genomes Project 30x 0.00047.

Submissions (14):

PreventionGenetics, part of Exact Sciences
Classification: Pathogenic for CYP27A1-related condition. Last evaluated: 2026-03-29. Review status: criteria provided, single submitter. Criteria: ACMG Guidelines, 2015. Collection method: clinical testing. Allele origin: germline.
Comment: The CYP27A1 c.379C>T variant is predicted to result in the amino acid substitution p.Arg127Trp. This variant is alternatively referred to as p.Arg94Trp in the literature. This variant has been reported in the homozygous and compound heterozygous state in multiple individuals with cerebrotendinous xanthomatosis (Verrips et al. 1999. PubMed ID: 10430841; Kapás et al. 2014. PubMed ID: 23659550; Zhang et al. 2016. PubMed ID: 27455001; Chen et al. 2017. PubMed ID: 28623566; Gong et al. 2017. PubMed ID: 28937538; Elert-Dobkowska et al. 2019. PubMed ID: 30778698; Jiang et al. 2020. PubMed ID: 32714376). In some of these individuals, the disorder was reported to manifest as neonatal cholestasis (Gong et al. 2017. PubMed ID: 28937538). Functional studies suggest this variant may impact heme activity (Gupta et al. 2007. PubMed ID: 17697869, data not shown). This variant is reported in 0.032% of alleles in individuals of African descent in gnomAD. In ClinVar, this variant is interpreted as likely pathogenic and pathogenic (Variation ID:65865). This variant is interpreted as pathogenic.

Ambry Genetics
Classification: Pathogenic for Cardiovascular phenotype. Last evaluated: 2026-03-04. Review status: criteria provided, single submitter. Criteria: Ambry Variant Classification Scheme 2023. Collection method: clinical testing. Allele origin: germline.
Comment: The c.379C>T (p.R127W) alteration is located in exon 2 (coding exon 2) of the CYP27A1 gene. This alteration results from a C to T substitution at nucleotide position 379, causing the arginine (R) at amino acid position 127 to be replaced by a tryptophan (W). Based on data from gnomAD, this allele has an overall frequency of 0.007% (20/282716) total alleles studied. The highest observed frequency was 0.032% (8/24960) of African alleles. This variant has been identified in the homozygous state and/or in conjunction with other CYP27A1 variant(s) in individual(s) with features consistent with cerebrotendinous xanthomatosis; in at least one instance, the variants were identified in trans (Verrips, 1999; Gong, 2017; Elert-Dobkowska, 2019; Jiang, 2020). Note, this variant is also referred to as p.Arg94Trp in the literature. Other variant(s) at the same codon, c.379C>G (p.R127G) and c.380G>A (p.R127Q), have been identified in individual(s) with features consistent with cerebrotendinous xanthomatosis (Shaji, 2019; Mahadevan, 2023). This amino acid position is highly conserved in available vertebrate species. This alteration is predicted to be deleterious by in silico analysis. Based on the available evidence, this alteration is classified as pathogenic.

Labcorp Genetics (formerly Invitae), Labcorp
Classification: Pathogenic for Cholestanol storage disease. Last evaluated: 2026-01-29. Review status: criteria provided, single submitter. Criteria: Invitae Variant Classification Sherloc (09022015). Collection method: clinical testing. Allele origin: germline.
Comment: This sequence change replaces arginine, which is basic and polar, with tryptophan, which is neutral and slightly polar, at codon 127 of the CYP27A1 protein (p.Arg127Trp). This variant is present in population databases (rs201114717, gnomAD 0.02%). This missense change has been observed in individual(s) with cerebrotendinous xanthomatosis (PMID: 10430841, 10775536, 17319284, 23659550, 27455001, 28623566). In at least one individual the data is consistent with being in trans (on the opposite chromosome) from a pathogenic variant. This variant is also known as p.Arg94Trp. ClinVar contains an entry for this variant (Variation ID: 65865). Invitae Evidence Modeling of protein sequence and biophysical properties (such as structural, functional, and spatial information, amino acid conservation, physicochemical variation, residue mobility, and thermodynamic stability) indicates that this missense variant is expected to disrupt CYP27A1 protein function with a positive predictive value of 95%. This variant disrupts the p.Arg127 amino acid residue in CYP27A1. Other variant(s) that disrupt this residue have been determined to be pathogenic (PMID: 8730343, 10775536; internal data). This suggests that this residue is clinically significant, and that variants that disrupt this residue are likely to be disease-causing. For these reasons, this variant has been classified as Pathogenic.

Natera, Inc.
Classification: Pathogenic for Cerebrotendinous xanthomatosis. Last evaluated: 2025-08-18. Review status: criteria provided, single submitter. Criteria: Natera Variant Classification Schema (03/2026). Collection method: clinical testing. Allele origin: germline.
Comment: The c.379C>T variant in CYP27A1 is a missense variant predicted to cause substitution of arginine to tryptophan at amino acid 127. This variant is rare in the general population with a frequency below the threshold expected for the associated phenotype(s). This variant has been observed in one or more individuals affected with the associated recessive disease, as either homozygous or compound heterozygous with a second variant (PMID: 23659550, 31796091). Computational prediction algorithms indicate this variant is likely to affect gene or protein function. Given the available evidence, this variant is classified as Pathogenic.

Mayo Clinic Laboratories, Mayo Clinic
Classification: Pathogenic. Last evaluated: 2025-08-07. Review status: criteria provided, single submitter. Criteria: ACMG Guidelines, 2015. Collection method: clinical testing. Allele origin: germline. Observed: 2 variant alleles.
Comment: PP3, PM2_supporting, PM3_very_strong

Blueprint Genetics
Classification: Pathogenic for CYP27A1-related disorders. Last evaluated: 2024-11-11. Review status: criteria provided, single submitter. Criteria: ACMG Guidelines, 2015. Collection method: clinical testing. Allele origin: germline. Affected: yes. Observed: 5 variant alleles.

GeneDx
Classification: Pathogenic. Last evaluated: 2024-04-16. Review status: criteria provided, single submitter. Criteria: GeneDx Variant Classification Process June 2021. Collection method: clinical testing. Allele origin: germline. Affected: yes.
Comment: In vitro functional studies suggest disrupted protein expression and heme binding (PMID: 11737215, 17697869); In silico analysis supports that this missense variant has a deleterious effect on protein structure/function; This variant is associated with the following publications: (PMID: 21604088, 31796091, 30778698, 17697869, 24836315, 11181744, 16816916, 27455001, 10430841, 28937538, 28623566, 26643207, 26550830, 31980526, 33414089, 32344004, 32531740, 23659550, 34426522, 31589614, 36380532, 37263730, 11737215, 34689324, 32714376)

Fulgent Genetics
Classification: Pathogenic for Cholestanol storage disease. Last evaluated: 2022-02-14. Review status: criteria provided, single submitter. Criteria: ACMG Guidelines, 2015. Collection method: clinical testing. Allele origin: unknown.

CeGaT Center for Human Genetics Tuebingen
Classification: Pathogenic. Last evaluated: 2022-02-01. Review status: criteria provided, single submitter. Criteria: CeGaT Center For Human Genetics Tuebingen Variant Classification Criteria Version 2. Collection method: clinical testing. Allele origin: germline. Affected: yes. Observed: 1 variant allele.

Laboratorio de Genetica e Diagnostico Molecular, Hospital Israelita Albert Einstein
Classification: Pathogenic. Last evaluated: 2020-11-27. Review status: criteria provided, single submitter. Criteria: ACMG Guidelines, 2015. Collection method: clinical testing. Allele origin: germline. Affected: yes.
Comment: ACMG classification criteria: PS4, PM2, PM3

Institute of Medical Genetics and Applied Genomics, University Hospital Tübingen
Classification: Pathogenic. Last evaluated: 2020-10-23. Review status: criteria provided, single submitter. Criteria: ACMG Guidelines, 2015. Collection method: clinical testing. Allele origin: germline. Inheritance: Unknown mechanism. Affected: yes.

Juno Genomics, Hangzhou Juno Genomics, Inc
Classification: Pathogenic for Cholestanol storage disease. Review status: criteria provided, single submitter. Criteria: ACMG Guidelines, 2015. Collection method: clinical testing. Allele origin: germline.
Comment: Absent from controls (or at extremely low frequency if recessive) in Genome Aggregation Database.;Multiple lines of computational evidence support a deleterious effect on the gene or gene product.;For recessive disorders, detected in trans with a pathogenic variant.

Counsyl
Classification: Likely pathogenic for Cholestanol storage disease. Last evaluated: 2016-12-21. Review status: no assertion criteria provided. Collection method: clinical testing. Allele origin: unknown. Not counted in ClinVar's aggregate classification.

GeneReviews
Classification: Pathogenic for Cerebrotendinous Xanthomatosis. Last evaluated: 2013-08-01. Review status: no assertion criteria provided. Collection method: curation. Allele origin: unknown. Not counted in ClinVar's aggregate classification.
ClinVar note: Converted during submission from pathologic to Pathogenic.

Literature cited by the submitters: PubMed 10430841 (cited by Ambry Genetics and Labcorp Genetics (formerly Invitae), Labcorp); PubMed 28937538 (cited by Ambry Genetics and Mayo Clinic Laboratories, Mayo Clinic); PubMed 30778698 (cited by Ambry Genetics); PubMed 31736580 (cited by Ambry Genetics); PubMed 32714376 (cited by Ambry Genetics and Mayo Clinic Laboratories, Mayo Clinic); PubMed 36628393 (cited by Ambry Genetics); PubMed 10775536 (cited by Labcorp Genetics (formerly Invitae), Labcorp and Counsyl); PubMed 17319284 (cited by Labcorp Genetics (formerly Invitae), Labcorp and Counsyl); PubMed 23659550 (cited by 4 submitters); PubMed 27455001 (cited by 3 submitters); PubMed 28623566 (cited by Labcorp Genetics (formerly Invitae), Labcorp and Mayo Clinic Laboratories, Mayo Clinic); PubMed 8730343 (cited by Labcorp Genetics (formerly Invitae), Labcorp); PubMed 31796091 (cited by Natera, Inc.); PubMed 33414089 (cited by Mayo Clinic Laboratories, Mayo Clinic); PubMed 37263730 (cited by Mayo Clinic Laboratories, Mayo Clinic); PubMed 17697869 (cited by Counsyl); PubMed 11181744 (cited by Counsyl).

NM_000784.4(CYP27A1):c.379C>T (p.Arg127Trp)

Gene: CYP27A1 (cytochrome P450 family 27 subfamily A member 1; plus strand). Cytogenetic location: 2q35.
Variant type: single nucleotide variant.
Coding change: c.379C>T on transcript NM_000784.4 (MANE Select); coding-DNA position 379, C replaced by T.
Protein change: p.Arg127Trp; replaces arginine 127 with tryptophan.
Molecular consequence: missense variant.
Genome position (GRCh38, 1-based): chr2:218,809,700, C>T. VCF-style: chr2-218809700-C-T. GRCh37 (hg19) VCF-style: chr2-219674423-C-T.
Other names: p.Arg127Trp; c.379C>T; short protein forms R127W.
Identifiers: ClinVar variation 65865 (VCV000065865.68), dbSNP rs201114717, ClinGen allele CA345193.
Genomic context (GRCh38, chr2:218,809,700, plus strand): 5'-AACCTGGCCAGTGCCCCGCTCTTGGAGCAAGTGATGCGGCAAGAGGGCAAGTACCCAGTA[C>T]GGAACGACATGGAGCTATGGAAGGAGCACCGGGACCAGCACGACCTGACCTATGGGCCGT-3'
Protein context (NP_000775.1, residues 117-137): VMRQEGKYPV[Arg127Trp]NDMELWKEHR